The following is an entry in ClinVar:

ClinVar aggregate classification (germline): Uncertain significance (1 of 4 stars; one submission).

Allele frequency attached by ClinVar (database versions not stated): gnomAD exomes 0.00006; ExAC 0.00013; gnomAD 0.00021; TOPMed 0.00024; 1000 Genomes Project 30x 0.00031; ESP Exome Variant Server 0.00038; 1000 Genomes Project 0.00040.
gnomAD v4.1: 121 of 1,612,922 alleles (0.0075%); highest among the groups gnomAD compares: African/African-American, 0.095%; no homozygotes.

Submission:

Labcorp Genetics (formerly Invitae), Labcorp
Classification: Uncertain significance. Last evaluated: 2022-04-29. Review status: criteria provided, single submitter. Criteria: Invitae Variant Classification Sherloc (09022015). Collection method: clinical testing. Allele origin: germline.
Comment: This sequence change replaces arginine, which is basic and polar, with cysteine, which is neutral and slightly polar, at codon 322 of the ERCC1 protein (p.Arg322Cys). This variant is present in population databases (rs141876321, gnomAD 0.1%). This variant has not been reported in the literature in individuals affected with ERCC1-related conditions. Algorithms developed to predict the effect of missense changes on protein structure and function (SIFT, PolyPhen-2, Align-GVGD) all suggest that this variant is likely to be tolerated. In summary, the available evidence is currently insufficient to determine the role of this variant in disease. Therefore, it has been classified as a Variant of Uncertain Significance.

NM_001983.4(ERCC1):c.843+121C>T

Gene: ERCC1 (ERCC excision repair 1, endonuclease non-catalytic subunit; minus strand). Cytogenetic location: 19q13.32.
Variant type: single nucleotide variant.
Coding change: c.843+121C>T on transcript NM_001983.4 (MANE Select); 121 bases into the intron after coding-DNA position 843, C replaced by T.
Molecular consequence: intron variant. On other transcripts: missense variant (5).
Genome position (GRCh38, 1-based): chr19:45,413,556, G>A on the plus strand (C>T on the coding strand, the complement: ERCC1 is on the minus strand). VCF-style: chr19-45413556-G-A. GRCh37 (hg19) VCF-style: chr19-45916814-G-A.
Other names: c.771+121C>T (NM_001369418.1, NM_001166049.2, NM_001369419.1 and 1 more transcripts); c.843+121C>T (NM_001369415.1, NM_001369416.1, NM_001369412.1 and 2 more transcripts); c.964C>T, p.Arg322Cys (NM_001369408.1, NM_001369409.1, NM_202001.3); c.892C>T, p.Arg298Cys (NM_001369410.1, NM_001369411.1); short protein forms R298C, R322C.
Identifiers: ClinVar variation 2069389 (VCV002069389.1), dbSNP rs141876321, ClinGen allele CA9515249.